The following is an entry in ClinVar:

NM_003070.5(SMARCA2):c.3192G>A (p.Ala1064=)

Gene: SMARCA2 (SWI/SNF related BAF chromatin remodeling complex subunit ATPase 2; plus strand). Cytogenetic location: 9p24.3.
Variant type: single nucleotide variant.
Coding change: c.3192G>A on transcript NM_003070.5 (MANE Select); coding-DNA position 3192, G replaced by A.
Protein change: p.Ala1064=; no amino-acid change (alanine 1064 retained).
Molecular consequence: synonymous variant.
Genome position (GRCh38, 1-based): chr9:2,104,069, G>A. VCF-style: chr9-2104069-G-A. GRCh37 (hg19) VCF-style: chr9-2104069-G-A.
Other names: c.3192G>A, p.Ala1064= (NM_001289396.2, NM_139045.4); c.3018G>A, p.Ala1006= (NM_001289397.2).
Identifiers: ClinVar variation 436799 (VCV000436799.27), dbSNP rs770885495, ClinGen allele CA4963712.

ClinVar aggregate classification (germline): Likely benign. Review status: criteria provided, multiple submitters, no conflicts (2 of 4 stars). 2 submissions from 2 submitters: Likely benign (2). Last evaluated 2023-12-01.

gnomAD v4.1: 13 of 1,613,962 alleles (0.00081%); highest among the groups gnomAD compares: East Asian, 0.0067%; no homozygotes.

Submissions (2):

CeGaT Center for Human Genetics Tuebingen
Classification: Likely benign. Last evaluated: 2023-12-01. Review status: criteria provided, single submitter. Criteria: CeGaT Center For Human Genetics Tuebingen Variant Classification Criteria Version 2. Collection method: clinical testing. Allele origin: germline. Affected: yes. Observed: 1 variant allele.
Comment: SMARCA2: BP4, BP7

Genetic Services Laboratory, University of Chicago
Classification: Likely benign. Last evaluated: 2015-12-30. Review status: criteria provided, single submitter. Criteria: ACMG Guidelines, 2015. Collection method: clinical testing. Allele origin: germline. Affected: no.